The following is an entry in ClinVar:

NM_000428.3(LTBP2):c.709C>T (p.Arg237Ter)

Gene: LTBP2 (latent transforming growth factor beta binding protein 2; minus strand). Cytogenetic location: 14q24.3.
Variant type: single nucleotide variant.
Coding change: c.709C>T on transcript NM_000428.3 (MANE Select); coding-DNA position 709, C replaced by T.
Protein change: p.Arg237Ter; replaces arginine 237 with a stop codon.
Molecular consequence: nonsense.
Genome position (GRCh38, 1-based): chr14:74,585,975, G>A on the plus strand (C>T on the coding strand, the complement: LTBP2 is on the minus strand). VCF-style: chr14-74585975-G-A. GRCh37 (hg19) VCF-style: chr14-75052678-G-A.
Other names: short protein forms R237*.
Identifiers: ClinVar variation 2090873 (VCV002090873.4), dbSNP rs1216378691, ClinGen allele CA390383583.

ClinVar aggregate classification (germline): Pathogenic (1 of 4 stars; one submission).

Allele frequency attached by ClinVar (database versions not stated): gnomAD 0.00001; gnomAD exomes 0.00001; TOPMed 0.00001.
gnomAD v4.1: 20 of 1,612,854 alleles (0.0012%); highest among the groups gnomAD compares: Non-Finnish European, 0.0016%; no homozygotes.

Submission:

Labcorp Genetics (formerly Invitae), Labcorp
Classification: Pathogenic. Last evaluated: 2025-06-27. Review status: criteria provided, single submitter. Criteria: Invitae Variant Classification Sherloc (09022015). Collection method: clinical testing. Allele origin: germline.
Comment: This sequence change creates a premature translational stop signal (p.Arg237*) in the LTBP2 gene. It is expected to result in an absent or disrupted protein product. Loss-of-function variants in LTBP2 are known to be pathogenic (PMID: 19361779, 19656777, 22025892). This variant is not present in population databases (gnomAD no frequency). This variant has not been reported in the literature in individuals affected with LTBP2-related conditions. ClinVar contains an entry for this variant (Variation ID: 2090873). For these reasons, this variant has been classified as Pathogenic.

Literature cited by the submitters: PubMed 19361779; PubMed 19656777; PubMed 22025892.